The following is an entry in ClinVar:

NM_000719.7(CACNA1C):c.2201T>C (p.Ile734Thr)

Gene: CACNA1C (calcium voltage-gated channel subunit alpha1 C; plus strand). Cytogenetic location: 12p13.33.
Variant type: single nucleotide variant.
Coding change: c.2201T>C on transcript NM_000719.7 (MANE Select); coding-DNA position 2201, T replaced by C.
Protein change: p.Ile734Thr; replaces isoleucine 734 with threonine.
Molecular consequence: missense variant.
Genome position (GRCh38, 1-based): chr12:2,582,919, T>C. VCF-style: chr12-2582919-T-C. GRCh37 (hg19) VCF-style: chr12-2692085-T-C.
Other names: c.2201T>C, p.Ile734Thr (NM_001129827.2, NM_001129829.2, NM_001129830.3 and 18 more transcripts); c.2192T>C, p.Ile731Thr (NM_001129844.2); short protein forms I731T, I734T.
Identifiers: ClinVar variation 3895387 (VCV003895387.1).

ClinVar aggregate classification (germline): Uncertain significance (1 of 4 stars; one submission).

Conditions:
Cardiovascular phenotype. Identifiers: MedGen CN230736.

Submission:

Molecular Diagnostic Laboratory for Inherited Cardiovascular Disease, Montreal Heart Institute
Classification: Uncertain significance for Cardiovascular phenotype. Last evaluated: 2025-04-09. Review status: criteria provided, single submitter. Criteria: ACMG Guidelines, 2015. Collection method: clinical testing. Allele origin: germline. Affected: yes.
Comment: PM2, PP3